The following is an entry in ClinVar:

NM_000142.5(FGFR3):c.916G>A (p.Val306Ile)

Gene: FGFR3 (fibroblast growth factor receptor 3; plus strand). Cytogenetic location: 4p16.3.
Variant type: single nucleotide variant.
Coding change: c.916G>A on transcript NM_000142.5 (MANE Select); coding-DNA position 916, G replaced by A.
Protein change: p.Val306Ile; replaces valine 306 with isoleucine.
Molecular consequence: missense variant. On other transcripts: non-coding transcript variant (1).
Genome position (GRCh38, 1-based): chr4:1,802,011, G>A. VCF-style: chr4-1802011-G-A. GRCh37 (hg19) VCF-style: chr4-1803738-G-A.
Other names: c.916G>A, p.Val306Ile (NM_001163213.2, NM_001354809.2, NM_001354810.2 and 1 more transcripts); short protein forms V306I.
Identifiers: ClinVar variation 582777 (VCV000582777.10), dbSNP rs774047997, ClinGen allele CA2810014.

ClinVar aggregate classification (germline): Uncertain significance (1 of 4 stars; one submission).

Allele frequency attached by ClinVar (database versions not stated): gnomAD exomes 0.00001 and 0.00004; ExAC 0.00006.
gnomAD v4.1: 15 of 1,612,132 alleles (0.00093%); highest among the groups gnomAD compares: Admixed American, 0.017%; no homozygotes.

Submission:

Labcorp Genetics (formerly Invitae), Labcorp
Classification: Uncertain significance. Last evaluated: 2022-07-25. Review status: criteria provided, single submitter. Criteria: Invitae Variant Classification Sherloc (09022015). Collection method: clinical testing. Allele origin: germline.
Comment: This variant is present in population databases (rs774047997, gnomAD 0.03%). In summary, the available evidence is currently insufficient to determine the role of this variant in disease. Therefore, it has been classified as a Variant of Uncertain Significance. Algorithms developed to predict the effect of missense changes on protein structure and function are either unavailable or do not agree on the potential impact of this missense change (SIFT: "Tolerated"; PolyPhen-2: "Possibly Damaging"; Align-GVGD: "Class C0"). ClinVar contains an entry for this variant (Variation ID: 582777). This variant has not been reported in the literature in individuals affected with FGFR3-related conditions. This sequence change replaces valine, which is neutral and non-polar, with isoleucine, which is neutral and non-polar, at codon 306 of the FGFR3 protein (p.Val306Ile).